The following is an entry in ClinVar:

NM_001378778.1(MPDZ):c.6089G>A (p.Arg2030His)

Gene: MPDZ (multiple PDZ domain crumbs cell polarity complex component; minus strand). Cytogenetic location: 9p23.
Variant type: single nucleotide variant.
Coding change: c.6089G>A on transcript NM_001378778.1 (MANE Select); coding-DNA position 6089, G replaced by A.
Protein change: p.Arg2030His; replaces arginine 2030 with histidine.
Molecular consequence: missense variant.
Genome position (GRCh38, 1-based): chr9:13,107,089, C>T on the plus strand (G>A on the coding strand, the complement: MPDZ is on the minus strand). VCF-style: chr9-13107089-C-T. GRCh37 (hg19) VCF-style: chr9-13107088-C-T.
Other names: c.5990G>A, p.Arg1997His (NM_001261406.2, NM_001375416.1, NM_001375417.1 and 1 more transcripts); c.5903G>A, p.Arg1968His (NM_001261407.2, NM_001375419.1); c.6089G>A, p.Arg2030His (NM_001330637.2); c.6188G>A, p.Arg2063His (NM_001375413.1); c.5879G>A, p.Arg1960His (NM_001375420.1, NM_001375421.1, NM_001375422.1 and 2 more transcripts); c.5792G>A, p.Arg1931His (NM_001375425.1, NM_001375426.1); c.5681G>A, p.Arg1894His (NM_001375427.1); c.6002G>A, p.Arg2001His (NM_003829.5); and 1 more; short protein forms R1894H, R1931H, R1960H, R1997H, R2030H, R2001H, R2063H, R1968H.
Identifiers: ClinVar variation 1354944 (VCV001354944.6), dbSNP rs1802495, ClinGen allele CA4985954.
Genomic context (GRCh38, chr9:13,107,089, plus strand): 5'-TGGGTGACTCCTTCTAGACTCTGCCCATTGACAGCAATGATCTGATCGCCCCTTTTCAGA[C>T]GTCCGTCTTCAGAGGCTGCTCCCTGCAAATTATAAAGTAGACTTGTTTATTTCTCAAAAA-3'
Protein context (NP_001365707.1, residues 2020-2040): FAKGAASEDG[Arg2030His]LKRGDQIIAV

ClinVar aggregate classification (germline): Uncertain significance. Review status: criteria provided, multiple submitters, no conflicts (2 of 4 stars). 2 submissions from 2 submitters: Uncertain significance (2). Last evaluated 2022-06-20.

Conditions:
Inborn genetic diseases. Identifiers: MedGen C0950123, MeSH D030342.

Allele frequency attached by ClinVar (database versions not stated): ESP Exome Variant Server 0.00008; ExAC 0.00012; gnomAD 0.00014 and 0.00016; gnomAD exomes 0.00016 and 0.00029; TOPMed 0.00020.

Submissions (2):

Labcorp Genetics (formerly Invitae), Labcorp
Classification: Uncertain significance. Last evaluated: 2022-06-20. Review status: criteria provided, single submitter. Criteria: Invitae Variant Classification Sherloc (09022015). Collection method: clinical testing. Allele origin: germline.
Comment: This sequence change replaces arginine, which is basic and polar, with histidine, which is basic and polar, at codon 2001 of the MPDZ protein (p.Arg2001His). This variant is present in population databases (rs1802495, gnomAD 0.03%). This variant has not been reported in the literature in individuals affected with MPDZ-related conditions. Algorithms developed to predict the effect of missense changes on protein structure and function are either unavailable or do not agree on the potential impact of this missense change (SIFT: "Deleterious"; PolyPhen-2: "Probably Damaging"; Align-GVGD: "Class C0"). In summary, the available evidence is currently insufficient to determine the role of this variant in disease. Therefore, it has been classified as a Variant of Uncertain Significance.

Ambry Genetics
Classification: Uncertain significance for Inborn genetic diseases. Last evaluated: 2022-02-01. Review status: criteria provided, single submitter. Criteria: Ambry Variant Classification Scheme 2023. Collection method: clinical testing. Allele origin: germline.

Literature cited by the submitters: PubMed 29924831 (cited by Ambry Genetics).